The following is an entry in ClinVar:

ClinVar aggregate classification (germline): Pathogenic (0 of 4 stars; one submission).

Conditions:
Malaria, severe, susceptibility to. Identifiers: MedGen C1970029.

Allele frequency attached by ClinVar (database versions not stated): 1000 Genomes Project 0.01458; 1000 Genomes Project 30x 0.01562; gnomAD exomes 0.02069; gnomAD 0.02315; TOPMed 0.02734.
gnomAD v4.1: 14,721 of 680,664 alleles (2.2%); highest among the groups gnomAD compares: Admixed American, 4%; 294 homozygotes.

Submission:

Center for Global Health, University of New Mexico Health Sciences Center, University of New Mexico
Classification: Pathogenic for Malaria, severe, susceptibility to. Last evaluated: 2022-12-06. Review status: no assertion criteria provided. Collection method: research. Allele origin: germline. Affected: yes. Observed: 89 variant alleles.
Comment: CC is wild type in the Luo (Kenya) population, TT is homozygous mutant. TT increases susceptibility to longitudinal (over 36 months) falciparum malaria episodes in children less than 48 months of age.

NM_147130.3(NCR3):c.-172G>A

Gene: NCR3 (natural cytotoxicity triggering receptor 3; minus strand). Cytogenetic location: 6p21.33.
Variant type: single nucleotide variant.
Coding change: c.-172G>A on transcript NM_147130.3 (MANE Select); 172 bases upstream of the start codon, G replaced by A.
Molecular consequence: 5 prime UTR variant.
Genome position (GRCh38, 1-based): chr6:31,592,893, C>T on the plus strand (G>A on the coding strand, the complement: NCR3 is on the minus strand). VCF-style: chr6-31592893-C-T. GRCh37 (hg19) VCF-style: chr6-31560670-C-T.
Other names: c.-172G>A (NM_001145466.2, NM_001145467.2).
Identifiers: ClinVar variation 1803723 (VCV001803723.2), dbSNP rs11575837, ClinGen allele CA15463300.